The following is an entry in ClinVar:

NM_001103.4(ACTN2):c.427A>C (p.Ile143Leu)

Gene: ACTN2 (actinin alpha 2; plus strand). Cytogenetic location: 1q43.
Variant type: single nucleotide variant.
Coding change: c.427A>C on transcript NM_001103.4 (MANE Select); coding-DNA position 427, A replaced by C.
Protein change: p.Ile143Leu; replaces isoleucine 143 with leucine.
Molecular consequence: missense variant. On other transcripts: 5 prime UTR variant (1).
Genome position (GRCh38, 1-based): chr1:236,720,170, A>C. VCF-style: chr1-236720170-A-C. GRCh37 (hg19) VCF-style: chr1-236883470-A-C.
Other names: c.427A>C, p.Ile143Leu (NM_001278343.2); c.-395A>C (NM_001278344.2); short protein forms I143L.
Identifiers: ClinVar variation 1436593 (VCV001436593.8), dbSNP rs786205453, ClinGen allele CA345374142.

ClinVar aggregate classification (germline): Uncertain significance (1 of 4 stars; one submission).

Conditions:
Dilated cardiomyopathy 1AA (CMD1AA). Also called: CARDIOMYOPATHY, DILATED, 1AA, WITH OR WITHOUT LEFT VENTRICULAR NONCOMPACTION; CARDIOMYOPATHY, FAMILIAL HYPERTROPHIC, 23, WITH OR WITHOUT LEFT VENTRICULAR NONCOMPACTION; Cardiomyopathy, dilated, 1AA, with or without LVNC. Identifiers: Orphanet 154, MedGen C2677338, MONDO:0012808, OMIM 612158.
Primary familial hypertrophic cardiomyopathy (HCM). Identifiers: Orphanet 99739, MedGen C0949658, MeSH D024741, MONDO:0024573. Inheritance: Various modes of inheritance.

Allele frequency attached by ClinVar (database versions not stated): TOPMed below 0.00001; gnomAD 0.00001; gnomAD exomes 0.00001.
gnomAD v4.1: 4 of 1,613,332 alleles (0.00025%); highest among the groups gnomAD compares: Non-Finnish European, 0.00034%; no homozygotes.

Submission:

Labcorp Genetics (formerly Invitae), Labcorp
Classification: Uncertain significance for Primary familial hypertrophic cardiomyopathy; Dilated cardiomyopathy 1AA. Last evaluated: 2022-07-12. Review status: criteria provided, single submitter. Criteria: Invitae Variant Classification Sherloc (09022015). Collection method: clinical testing. Allele origin: germline.
Comment: In summary, the available evidence is currently insufficient to determine the role of this variant in disease. Therefore, it has been classified as a Variant of Uncertain Significance. Advanced modeling of protein sequence and biophysical properties (such as structural, functional, and spatial information, amino acid conservation, physicochemical variation, residue mobility, and thermodynamic stability) performed at Invitae indicates that this missense variant is not expected to disrupt ACTN2 protein function. ClinVar contains an entry for this variant (Variation ID: 1436593). This variant has not been reported in the literature in individuals affected with ACTN2-related conditions. This variant is not present in population databases (gnomAD no frequency). This sequence change replaces isoleucine, which is neutral and non-polar, with leucine, which is neutral and non-polar, at codon 143 of the ACTN2 protein (p.Ile143Leu).